The following is an entry in ClinVar:

ClinVar aggregate classification (germline): Likely benign. Review status: criteria provided, multiple submitters, no conflicts (2 of 4 stars). 3 submissions from 3 submitters: Likely benign (3). Last evaluated 2023-10-02.

Conditions:
Aortic aneurysm, familial thoracic 4 (AAT4). Also called: AORTIC ANEURYSM/AORTIC DISSECTION AND PATENT DUCTUS ARTERIOSUS. Identifiers: MedGen C1851504, MONDO:0007568, OMIM 132900.
Familial thoracic aortic aneurysm and aortic dissection (TAAD). Also called: Thoracic aortic aneurysms and dissections. Identifiers: Orphanet 91387, MedGen C4707243, MONDO:0019625.

Allele frequency attached by ClinVar (database versions not stated): gnomAD exomes below 0.00001.
gnomAD v4.1: 2 of 1,611,028 alleles (0.00012%); highest among the groups gnomAD compares: Non-Finnish European, 0.00017%; no homozygotes.

Submissions (3):

All of Us Research Program, National Institutes of Health
Classification: Likely benign for Familial thoracic aortic aneurysm and aortic dissection. Last evaluated: 2023-10-02. Review status: criteria provided, single submitter. Criteria: ACMG Guidelines, 2015. Collection method: clinical testing. Allele origin: germline. Inheritance: Autosomal dominant inheritance. Observed: 1 variant allele, 1 heterozygote.
Comment: This study involves interpretation of variants in research participants for the purpose of population health screening. Participant phenotype was not available at the time of variant classification. Additional details can be found in publication PMID: 35346344, PMCID: PMC8962531

Color Diagnostics, LLC DBA Color Health
Classification: Likely benign for Familial thoracic aortic aneurysm and aortic dissection. Last evaluated: 2023-09-20. Review status: criteria provided, single submitter. Criteria: ACMG Guidelines, 2015. Collection method: clinical testing. Allele origin: germline.

Labcorp Genetics (formerly Invitae), Labcorp
Classification: Likely benign for Aortic aneurysm, familial thoracic 4. Last evaluated: 2023-07-07. Review status: criteria provided, single submitter. Criteria: Invitae Variant Classification Sherloc (09022015). Collection method: clinical testing. Allele origin: germline.

NM_002474.3(MYH11):c.2415T>C (p.Ala805=)

Gene: MYH11 (myosin heavy chain 11; minus strand). Cytogenetic location: 16p13.11.
Variant type: single nucleotide variant.
Coding change: c.2415T>C on transcript NM_002474.3 (MANE Select); coding-DNA position 2415, T replaced by C.
Protein change: p.Ala805=; no amino-acid change (alanine 805 retained).
Molecular consequence: synonymous variant.
Genome position (GRCh38, 1-based): chr16:15,745,234, A>G on the plus strand (T>C on the coding strand, the complement: MYH11 is on the minus strand). VCF-style: chr16-15745234-A-G. GRCh37 (hg19) VCF-style: chr16-15839091-A-G.
Other names: c.2436T>C, p.Ala812= (NM_001040113.2, NM_001040114.2); c.2415T>C, p.Ala805= (NM_022844.3).
Identifiers: ClinVar variation 2899272 (VCV002899272.5), dbSNP rs1182087229, ClinGen allele CA493791913.
Genomic context (GRCh38, chr16:15,745,234, plus strand): 5'-GGCGGCGCAGTTCCTCTGAATCACCTTCATGGCGGTCAGCTGCTGCTGCCTCTTGGCAAA[A>G]GCCCTAGGGAGGGGGGAAGAGAAGGTGCGGGGGTCATGAAGCCACACCCTGCTGTCAACA-3'
Protein context (NP_002465.1, residues 795-815): AMCRGYLARK[Ala805=]FAKRQQQLTA